The following is an entry in ClinVar:

NM_005045.4(RELN):c.4211A>G (p.Asp1404Gly)

Gene: RELN (reelin; minus strand). Cytogenetic location: 7q22.1.
Variant type: single nucleotide variant.
Coding change: c.4211A>G on transcript NM_005045.4 (MANE Select); coding-DNA position 4211, A replaced by G.
Protein change: p.Asp1404Gly; replaces aspartic acid 1404 with glycine.
Molecular consequence: missense variant.
Genome position (GRCh38, 1-based): chr7:103,575,640, T>C on the plus strand (A>G on the coding strand, the complement: RELN is on the minus strand). VCF-style: chr7-103575640-T-C. GRCh37 (hg19) VCF-style: chr7-103216087-T-C.
Other names: c.4211A>G (NM_005045.3); c.4211A>G, p.Asp1404Gly (NM_173054.3); short protein forms D1404G.
Identifiers: ClinVar variation 3758688 (VCV003758688.3).

ClinVar aggregate classification (germline): Uncertain significance. Review status: criteria provided, multiple submitters, no conflicts (2 of 4 stars). 2 submissions from 2 submitters: Uncertain significance (2). Last evaluated 2025-10-02.

Conditions:
Norman-Roberts syndrome (LIS2). Also called: Lissencephaly 2 (Norman-Roberts type). Identifiers: Orphanet 89844, MedGen C0796089, MONDO:0009760, OMIM 257320.
Familial temporal lobe epilepsy 7. Identifiers: Orphanet 101046, MedGen C4225327, MONDO:0014639, OMIM 616436.
Inborn genetic diseases. Identifiers: MedGen C0950123, MeSH D030342.

gnomAD v4.1: 1 of 1,614,114 alleles (0.000062%); highest among the groups gnomAD compares: Non-Finnish European, 0.000085%; no homozygotes.

Submissions (2):

Ambry Genetics
Classification: Uncertain significance for Inborn genetic diseases. Last evaluated: 2025-10-02. Review status: criteria provided, single submitter. Criteria: Ambry Variant Classification Scheme 2023. Collection method: clinical testing. Allele origin: germline.

Labcorp Genetics (formerly Invitae), Labcorp
Classification: Uncertain significance for Familial temporal lobe epilepsy 7; Norman-Roberts syndrome. Last evaluated: 2025-02-24. Review status: criteria provided, single submitter. Criteria: Invitae Variant Classification Sherloc (09022015). Collection method: clinical testing. Allele origin: germline.
Comment: This sequence change replaces aspartic acid, which is acidic and polar, with glycine, which is neutral and non-polar, at codon 1404 of the RELN protein (p.Asp1404Gly). This variant is not present in population databases (gnomAD no frequency). This variant has not been reported in the literature in individuals affected with RELN-related conditions. Invitae Evidence Modeling of protein sequence and biophysical properties (such as structural, functional, and spatial information, amino acid conservation, physicochemical variation, residue mobility, and thermodynamic stability) indicates that this missense variant is not expected to disrupt RELN protein function with a negative predictive value of 80%. In summary, the available evidence is currently insufficient to determine the role of this variant in disease. Therefore, it has been classified as a Variant of Uncertain Significance.